The following is an entry in ClinVar:

ClinVar aggregate classification (germline): Likely benign. Review status: criteria provided, multiple submitters, no conflicts (2 of 4 stars). 6 submissions from 6 submitters: Likely benign (4). 2 of the submissions do not count toward it. Last evaluated 2026-09-01.

Conditions:
Cardiovascular phenotype. Identifiers: MedGen CN230736.
FLNC-related disorder. Also called: FLNC-related disorders; FLNC-related condition.
Myofibrillar myopathy 5. Also called: Filaminopathy (type); FILAMINOPATHY, AUTOSOMAL DOMINANT. Identifiers: Orphanet 171445, MedGen C1836050, MONDO:0012289, OMIM 609524.
Hypertrophic cardiomyopathy 26. Also called: Cardiomyopathy, familial hypertrophic, 26. Identifiers: Orphanet 75249, MedGen C4310749, MONDO:0014883, OMIM 617047.
Distal myopathy with posterior leg and anterior hand involvement. Also called: WILLIAMS DISTAL MYOPATHY. Identifiers: Orphanet 63273, MedGen C3279722, MONDO:0013550, OMIM 614065.

Allele frequency attached by ClinVar (database versions not stated): gnomAD 0.00001 and 0.00002; TOPMed 0.00003; gnomAD exomes 0.00006 and 0.00008; ExAC 0.00007.
gnomAD v4.1: 96 of 1,614,020 alleles (0.0059%); highest among the groups gnomAD compares: Middle Eastern, 0.066%; 3 homozygotes.

Submissions (6):

CeGaT Center for Human Genetics Tuebingen
Classification: Likely benign. Last evaluated: 2026-09-01. Review status: criteria provided, single submitter. Criteria: CeGaT Center For Human Genetics Tuebingen Variant Classification Criteria Version 2. Collection method: clinical testing. Allele origin: germline. Affected: yes. Observed: 2 variant alleles.
Comment: FLNC: BP4, BP7

PreventionGenetics, part of Exact Sciences
Classification: Likely benign for FLNC-related condition. Last evaluated: 2026-08-10. Review status: criteria provided, single submitter. Criteria: ACMG Guidelines, 2015. Collection method: clinical testing. Allele origin: germline.
Comment: This variant is classified as likely benign based on ACMG/AMP sequence variant interpretation guidelines (Richards et al. 2015 PMID: 25741868, with internal and published modifications).

Labcorp Genetics (formerly Invitae), Labcorp
Classification: Likely benign for Distal myopathy with posterior leg and anterior hand involvement; Myofibrillar myopathy 5; Hypertrophic cardiomyopathy 26. Last evaluated: 2025-12-21. Review status: criteria provided, single submitter. Criteria: Invitae Variant Classification Sherloc (09022015). Collection method: clinical testing. Allele origin: germline.

Ambry Genetics
Classification: Likely benign for Cardiovascular phenotype. Last evaluated: 2019-08-05. Review status: criteria provided, single submitter. Criteria: Ambry Variant Classification Scheme 2023. Collection method: clinical testing. Allele origin: germline.

Clinical Genetics DNA and cytogenetics Diagnostics Lab, Erasmus MC, Erasmus Medical Center
Classification: Likely benign. Review status: no assertion criteria provided. Collection method: clinical testing. Allele origin: germline. Affected: yes. Study: VKGL Data-share Consensus. Not counted in ClinVar's aggregate classification.

Laboratory of Diagnostic Genome Analysis, Leiden University Medical Center (LUMC)
Classification: Likely benign. Review status: no assertion criteria provided. Collection method: clinical testing. Allele origin: germline. Affected: yes. Study: VKGL Data-share Consensus. Not counted in ClinVar's aggregate classification.

NM_001458.5(FLNC):c.7038C>A (p.Gly2346=)

Genes: FLNC (filamin C; plus strand), FLNC-AS1 (FLNC antisense RNA 1; minus strand). Cytogenetic location: 7q32.1.
Variant type: single nucleotide variant.
Coding change: c.7038C>A on transcript NM_001458.5 (MANE Select); coding-DNA position 7038, C replaced by A.
Protein change: p.Gly2346=; no amino-acid change (glycine 2346 retained).
Molecular consequence: synonymous variant.
Genome position (GRCh38, 1-based): chr7:128,854,815, C>A. VCF-style: chr7-128854815-C-A. GRCh37 (hg19) VCF-style: chr7-128494869-C-A.
Other names: c.6939C>A, p.Gly2313= (NM_001127487.2).
Identifiers: ClinVar variation 741470 (VCV000741470.40), dbSNP rs763377116, ClinGen allele CA4476145.